The following is an entry in ClinVar:

ClinVar aggregate classification (germline): Likely pathogenic (1 of 4 stars; one submission).

Conditions:
Mucopolysaccharidosis, MPS-II (MPS2). Also called: Mucopolysaccharidosis type 2; IDS deficiency; Sulfoiduronate sulfatase deficiency; SIDS deficiency; Attenuated MPS (subtype; formerly known as mild MPS II); Severe MPS II. Identifiers: Orphanet 580, Orphanet 79388, MedGen C0026705, MONDO:0010674, OMIM 309900.

Submission:

Myriad Genetics, Inc.
Classification: Likely pathogenic for Mucopolysaccharidosis, MPS-II. Last evaluated: 2022-01-27. Review status: criteria provided, single submitter. Criteria: Myriad Women's Health Autosomal Recessive and X-Linked Classification Criteria (2021). Collection method: clinical testing. Allele origin: unknown.
Comment: NM_000202.5(IDS):c.631A>T(K211*) is expected to be pathogenic in the context of mucopolysaccharidosis type II. This variant is predicted to lead to an abnormal or absent protein product due to the creation of a premature termination codon in IDS, a gene where loss-of-function variants are known to be pathogenic. Please note: this variant was assessed in the context of healthy population screening.

NM_000202.8(IDS):c.631A>T (p.Lys211Ter)

Genes: IDS (iduronate 2-sulfatase; minus strand), LOC106050102 (IDS recombination region; plus strand). Cytogenetic location: Xq28.
Variant type: single nucleotide variant.
Coding change: c.631A>T on transcript NM_000202.8 (MANE Select); coding-DNA position 631, A replaced by T.
Protein change: p.Lys211Ter; replaces lysine 211 with a stop codon.
Molecular consequence: nonsense. On other transcripts: non-coding transcript variant (1).
Genome position (GRCh38, 1-based): chrX:149,498,184, T>A on the plus strand (A>T on the coding strand, the complement: IDS is on the minus strand). VCF-style: chrX-149498184-T-A. GRCh37 (hg19) VCF-style: chrX-148579715-T-A.
Other names: c.361A>T, p.Lys121Ter (NM_001166550.4); c.631A>T, p.Lys211Ter (NM_006123.5); short protein forms K121*, K211*.
Identifiers: ClinVar variation 1724140 (VCV001724140.2), dbSNP rs2520863392, ClinGen allele CA414522297.